The following is an entry in ClinVar:

NM_006757.4(TNNT3):c.298C>T (p.Arg100Cys)

Gene: TNNT3 (troponin T3, fast skeletal type; plus strand). Cytogenetic location: 11p15.5.
Variant type: single nucleotide variant.
Coding change: c.298C>T on transcript NM_006757.4 (MANE Select); coding-DNA position 298, C replaced by T.
Protein change: p.Arg100Cys; replaces arginine 100 with cysteine.
Molecular consequence: missense variant.
Genome position (GRCh38, 1-based): chr11:1,933,940, C>T. VCF-style: chr11-1933940-C-T. GRCh37 (hg19) VCF-style: chr11-1955170-C-T.
Other names: c.274C>T, p.Arg92Cys (NM_001042780.3, NM_001042782.3, NM_001297646.2 and 2 more transcripts); c.292C>T, p.Arg98Cys (NM_001042781.3, NM_001367842.1, NM_001367843.1); c.307C>T, p.Arg103Cys (NM_001363561.2, NM_001367847.1); c.331C>T, p.Arg111Cys (NM_001367846.1); c.295C>T, p.Arg99Cys (NM_001367848.1); c.286C>T, p.Arg96Cys (NM_001367849.1); c.241C>T, p.Arg81Cys (NM_001367850.1); c.94C>T, p.Arg32Cys (NM_001367851.1, NM_001367852.1); short protein forms R100C, R98C, R103C, R111C, R32C, R99C, R81C, R92C.
Identifiers: ClinVar variation 4705193 (VCV004705193.1).

ClinVar aggregate classification (germline): Uncertain significance (1 of 4 stars; one submission).

gnomAD v4.1: 28 of 1,612,628 alleles (0.0017%); highest among the groups gnomAD compares: Non-Finnish European, 0.002%; no homozygotes.

Submission:

Labcorp Genetics (formerly Invitae), Labcorp
Classification: Uncertain significance. Last evaluated: 2025-06-02. Review status: criteria provided, single submitter. Criteria: Invitae Variant Classification Sherloc (09022015). Collection method: clinical testing. Allele origin: germline.
Comment: This sequence change replaces arginine, which is basic and polar, with cysteine, which is neutral and slightly polar, at codon 100 of the TNNT3 protein (p.Arg100Cys). This variant is present in population databases (rs141020473, gnomAD 0.007%). This variant has not been reported in the literature in individuals affected with TNNT3-related conditions. An algorithm developed to predict the effect of missense changes on protein structure and function (PolyPhen-2) suggests that this variant is likely to be tolerated. In summary, the available evidence is currently insufficient to determine the role of this variant in disease. Therefore, it has been classified as a Variant of Uncertain Significance.